The following is an entry in ClinVar:

NM_001378615.1(CC2D2A):c.3994G>T (p.Val1332Leu)

Genes: CC2D2A (coiled-coil and C2 domain containing 2A; plus strand), FBXL5 (F-box and leucine rich repeat protein 5; minus strand). Cytogenetic location: 4p15.32.
Variant type: single nucleotide variant.
Coding change: c.3994G>T on transcript NM_001378615.1 (MANE Select); coding-DNA position 3994, G replaced by T.
Protein change: p.Val1332Leu; replaces valine 1332 with leucine.
Molecular consequence: missense variant.
Genome position (GRCh38, 1-based): chr4:15,586,175, G>T. VCF-style: chr4-15586175-G-T. GRCh37 (hg19) VCF-style: chr4-15587798-G-T.
Other names: c.3994G>T, p.Val1332Leu (NM_001080522.2); c.3847G>T, p.Val1283Leu (NM_001378617.1); short protein forms V1283L, V1332L.
Identifiers: ClinVar variation 4685268 (VCV004685268.1).

ClinVar aggregate classification (germline): Uncertain significance (1 of 4 stars; one submission).

Submission:

GeneDx
Classification: Uncertain significance. Last evaluated: 2025-07-11. Review status: criteria provided, single submitter. Criteria: GeneDx Variant Classification Process June 2021. Collection method: clinical testing. Allele origin: germline. Affected: yes.
Comment: Not observed at significant frequency in large population cohorts (gnomAD); In silico analysis supports that this missense variant has a deleterious effect on protein structure/function; Has not been previously published as pathogenic or benign to our knowledge